The following is an entry in ClinVar:

NM_022124.6(CDH23):c.7001C>T (p.Thr2334Ile)

Gene: CDH23 (cadherin related 23; plus strand). Cytogenetic location: 10q22.1.
Variant type: single nucleotide variant.
Coding change: c.7001C>T on transcript NM_022124.6 (MANE Select); coding-DNA position 7001, C replaced by T.
Protein change: p.Thr2334Ile; replaces threonine 2334 with isoleucine.
Molecular consequence: missense variant.
Genome position (GRCh38, 1-based): chr10:71,798,525, C>T. VCF-style: chr10-71798525-C-T. GRCh37 (hg19) VCF-style: chr10-73558282-C-T.
Other names: c.281C>T, p.Thr94Ile (NM_001171933.1, NM_001171934.1); short protein forms T2334I, T94I.
Identifiers: ClinVar variation 1696382 (VCV001696382.3), dbSNP rs1841467615, ClinGen allele CA377158273.

ClinVar aggregate classification (germline): Uncertain significance. Review status: criteria provided, multiple submitters, no conflicts (2 of 4 stars). 3 submissions from 3 submitters: Uncertain significance (3). Last evaluated 2025-04-16.

Conditions:
Inborn genetic diseases. Identifiers: MedGen C0950123, MeSH D030342.

Allele frequency attached by ClinVar (database versions not stated): gnomAD exomes below 0.00001.
gnomAD v4.1: 1 of 1,613,724 alleles (0.000062%); highest among the groups gnomAD compares: Non-Finnish European, 0.000085%; no homozygotes.

Submissions (3):

Ambry Genetics
Classification: Uncertain significance for Inborn genetic diseases. Last evaluated: 2025-04-16. Review status: criteria provided, single submitter. Criteria: Ambry Variant Classification Scheme 2023. Collection method: clinical testing. Allele origin: germline.

Blueprint Genetics
Classification: Uncertain significance. Last evaluated: 2023-03-23. Review status: criteria provided, single submitter. Criteria: ACMG Guidelines, 2015. Collection method: clinical testing. Allele origin: germline.

Women's Health and Genetics/Laboratory Corporation of America, LabCorp
Classification: Uncertain significance. Last evaluated: 2022-05-18. Review status: criteria provided, single submitter. Criteria: LabCorp Variant Classification Summary - May 2015. Collection method: clinical testing. Allele origin: germline.
Comment: Variant summary: CDH23 c.7001C>T (p.Thr2334Ile) results in a non-conservative amino acid change in the encoded protein sequence. Three of four in-silico tools predict a benign effect of the variant on protein function. The variant was absent in 248068 control chromosomes (gnomAD). The available data on variant occurrences in the general population are insufficient to allow any conclusion about variant significance. To our knowledge, no occurrence of c.7001C>T in individuals affected with Usher Syndrome and no experimental evidence demonstrating its impact on protein function have been reported. No clinical diagnostic laboratories have submitted clinical-significance assessments for this variant to ClinVar after 2014. Based on the evidence outlined above, the variant was classified as uncertain significance.